The following is an entry in ClinVar:

ClinVar aggregate classification (germline): Uncertain significance. Review status: criteria provided, multiple submitters, no conflicts (2 of 4 stars). 2 submissions from 2 submitters: Uncertain significance (2). Last evaluated 2025-07-21.

Allele frequency attached by ClinVar (database versions not stated): ExAC 0.00001; gnomAD exomes 0.00001; gnomAD 0.00003; TOPMed 0.00003; ESP Exome Variant Server 0.00008.
gnomAD v4.1: 22 of 1,613,196 alleles (0.0014%); highest among the groups gnomAD compares: Middle Eastern, 0.016%; no homozygotes.

Submissions (2):

Labcorp Genetics (formerly Invitae), Labcorp
Classification: Uncertain significance. Last evaluated: 2025-07-21. Review status: criteria provided, single submitter. Criteria: Invitae Variant Classification Sherloc (09022015). Collection method: clinical testing. Allele origin: germline.
Comment: This sequence change replaces arginine, which is basic and polar, with tryptophan, which is neutral and slightly polar, at codon 204 of the NSMCE2 protein (p.Arg204Trp). This variant is present in population databases (rs137953740, gnomAD 0.02%). This variant has not been reported in the literature in individuals affected with NSMCE2-related conditions. ClinVar contains an entry for this variant (Variation ID: 2071810). An algorithm developed to predict the effect of missense changes on protein structure and function (PolyPhen-2) suggests that this variant is likely to be disruptive. In summary, the available evidence is currently insufficient to determine the role of this variant in disease. Therefore, it has been classified as a Variant of Uncertain Significance.

Ambry Genetics
Classification: Uncertain significance. Last evaluated: 2024-10-08. Review status: criteria provided, single submitter. Criteria: Ambry Variant Classification Scheme 2023. Collection method: clinical testing. Allele origin: germline.

NM_173685.4(NSMCE2):c.610C>T (p.Arg204Trp)

Gene: NSMCE2 (NSE2 SUMO ligase component of SMC5/6 complex; plus strand). Cytogenetic location: 8q24.13.
Variant type: single nucleotide variant.
Coding change: c.610C>T on transcript NM_173685.4 (MANE Select); coding-DNA position 610, C replaced by T.
Protein change: p.Arg204Trp; replaces arginine 204 with tryptophan.
Molecular consequence: missense variant. On other transcripts: non-coding transcript variant (1).
Genome position (GRCh38, 1-based): chr8:125,357,802, C>T. VCF-style: chr8-125357802-C-T. GRCh37 (hg19) VCF-style: chr8-126370044-C-T.
Other names: c.610C>T (NM_173685.2); c.610C>T, p.Arg204Trp (NM_001349485.2, NM_001349486.2); short protein forms R204W.
Identifiers: ClinVar variation 2071810 (VCV002071810.4), dbSNP rs137953740, ClinGen allele CA4874442.